The following is an entry in ClinVar:

NM_006892.4(DNMT3B):c.317G>A (p.Arg106Gln)

Gene: DNMT3B (DNA methyltransferase 3 beta; plus strand). Cytogenetic location: 20q11.21.
Variant type: single nucleotide variant.
Coding change: c.317G>A on transcript NM_006892.4 (MANE Select); coding-DNA position 317, G replaced by A.
Protein change: p.Arg106Gln; replaces arginine 106 with glutamine.
Molecular consequence: missense variant. On other transcripts: intron variant (2).
Genome position (GRCh38, 1-based): chr20:32,786,512, G>A. VCF-style: chr20-32786512-G-A. GRCh37 (hg19) VCF-style: chr20-31374318-G-A.
Other names: c.317G>A, p.Arg106Gln (NM_175848.2, NM_175849.2); c.353G>A, p.Arg118Gln (NM_175850.3); c.307-718G>A (NM_001207055.2); c.205-718G>A (NM_001207056.2); short protein forms R118Q, R106Q.
Identifiers: ClinVar variation 1478688 (VCV001478688.5), dbSNP rs200236170, ClinGen allele CA9810150.

ClinVar aggregate classification (germline): Uncertain significance (1 of 4 stars; one submission).

Conditions:
Centromeric instability of chromosomes 1,9 and 16 and immunodeficiency (ICF1). Also called: CENTROMERIC INSTABILITY, IMMUNODEFICIENCY SYNDROME; IMMUNE DEFICIENCY, VARIABLE, WITH CENTROMERIC INSTABILITY OF CHROMOSOMES 1, 9, AND 16; IMMUNODEFICIENCY SYNDROME, VARIABLE; Immunodeficiency-centromeric instability-facial anomalies. Identifiers: Orphanet 2268, MedGen C0398788, MONDO:0000133.

Allele frequency attached by ClinVar (database versions not stated): gnomAD 0.00003; TOPMed 0.00003; gnomAD exomes 0.00004 and 0.00010; ESP Exome Variant Server 0.00008; ExAC 0.00009; 1000 Genomes Project 30x 0.00016; 1000 Genomes Project 0.00020.

Submission:

Labcorp Genetics (formerly Invitae), Labcorp
Classification: Uncertain significance for Centromeric instability of chromosomes 1,9 and 16 and immunodeficiency. Last evaluated: 2022-08-15. Review status: criteria provided, single submitter. Criteria: Invitae Variant Classification Sherloc (09022015). Collection method: clinical testing. Allele origin: germline.
Comment: This sequence change replaces arginine, which is basic and polar, with glutamine, which is neutral and polar, at codon 106 of the DNMT3B protein (p.Arg106Gln). This variant is present in population databases (rs200236170, gnomAD 0.05%). This variant has not been reported in the literature in individuals affected with DNMT3B-related conditions. ClinVar contains an entry for this variant (Variation ID: 1478688). Algorithms developed to predict the effect of missense changes on protein structure and function are either unavailable or do not agree on the potential impact of this missense change (SIFT: "Deleterious"; PolyPhen-2: "Probably Damaging"; Align-GVGD: "Class C0"). In summary, the available evidence is currently insufficient to determine the role of this variant in disease. Therefore, it has been classified as a Variant of Uncertain Significance.